The following is an entry in ClinVar:

NM_013275.6(ANKRD11):c.4429C>T (p.Arg1477Trp)

Gene: ANKRD11 (ankyrin repeat domain containing 11; minus strand). Cytogenetic location: 16q24.3.
Variant type: single nucleotide variant.
Coding change: c.4429C>T on transcript NM_013275.6 (MANE Select); coding-DNA position 4429, C replaced by T.
Protein change: p.Arg1477Trp; replaces arginine 1477 with tryptophan.
Molecular consequence: missense variant.
Genome position (GRCh38, 1-based): chr16:89,282,113, G>A on the plus strand (C>T on the coding strand, the complement: ANKRD11 is on the minus strand). VCF-style: chr16-89282113-G-A. GRCh37 (hg19) VCF-style: chr16-89348521-G-A.
Other names: c.4429C>T, p.Arg1477Trp (NM_001256182.2, NM_001256183.2); short protein forms R1477W.
Identifiers: ClinVar variation 1321499 (VCV001321499.2), dbSNP rs199761925, ClinGen allele CA8242119.

ClinVar aggregate classification (germline): Uncertain significance (1 of 4 stars; one submission).

Allele frequency attached by ClinVar (database versions not stated): TOPMed below 0.00001; gnomAD 0.00001.
gnomAD v4.1: 9 of 1,613,784 alleles (0.00056%); highest among the groups gnomAD compares: South Asian, 0.0022%; no homozygotes.

Submission:

GeneDx
Classification: Uncertain significance. Last evaluated: 2021-05-13. Review status: criteria provided, single submitter. Criteria: GeneDx Variant Classification Process June 2021. Collection method: clinical testing. Allele origin: germline. Affected: yes.
Comment: Has not been previously published as pathogenic or benign to our knowledge; Missense variant in a gene in which most reported pathogenic variants are truncating/loss-of-function; In silico analysis supports that this missense variant has a deleterious effect on protein structure/function